The following is an entry in ClinVar:

NM_001048174.2(MUTYH):c.1135G>A (p.Val379Met)

Gene: MUTYH (mutY DNA glycosylase; minus strand). Cytogenetic location: 1p34.1.
Variant type: single nucleotide variant.
Coding change: c.1135G>A on transcript NM_001048174.2 (MANE Select); coding-DNA position 1135, G replaced by A.
Protein change: p.Val379Met; replaces valine 379 with methionine.
Molecular consequence: missense variant. On other transcripts: non-coding transcript variant (2).
Genome position (GRCh38, 1-based): chr1:45,331,524, C>T on the plus strand (G>A on the coding strand, the complement: MUTYH is on the minus strand). VCF-style: chr1-45331524-C-T. GRCh37 (hg19) VCF-style: chr1-45797196-C-T.
Other names: c.1135G>A, p.Val379Met (NM_001048171.2, NM_001048173.2, NM_001293195.2); c.1138G>A, p.Val380Met (NM_001048172.2); c.1219G>A, p.Val407Met (NM_001128425.2); c.1180G>A, p.Val394Met (NM_001293190.2); c.1168G>A, p.Val390Met (NM_001293191.2); c.859G>A, p.Val287Met (NM_001293192.2, NM_001293196.2); c.790G>A, p.Val264Met (NM_001350650.2, NM_001350651.2); c.1210G>A, p.Val404Met (NM_012222.3); short protein forms V407M, V287M, V394M, V390M, V264M, V379M, V380M, V404M.
Identifiers: ClinVar variation 233638 (VCV000233638.23), dbSNP rs876660539, ClinGen allele CA501134.

ClinVar aggregate classification (germline): Conflicting classifications of pathogenicity. Review status: criteria provided, conflicting classifications (1 of 4 stars). 5 submissions from 5 submitters: Uncertain significance (4); Likely benign (1). Last evaluated 2025-10-07.

Conditions:
Hereditary cancer-predisposing syndrome. Also called: Tumor predisposition; Hereditary neoplastic syndrome; Hereditary Cancer Syndrome; Neoplastic Syndromes, Hereditary. Identifiers: Orphanet 140162, MedGen C0027672, MeSH D009386, MONDO:0015356.
Familial adenomatous polyposis 2. Also called: COLORECTAL ADENOMATOUS POLYPOSIS, AUTOSOMAL RECESSIVE; ADENOMAS, MULTIPLE COLORECTAL, AUTOSOMAL RECESSIVE; MYH-associated polyposis; MUTYH-associated polyposis; MUTYH-related attenuated familial adenomatous polyposis; MUTYH Polyposis. Identifiers: Orphanet 220460, Orphanet 247798, MedGen C3272841, MONDO:0012041, OMIM 608456.

Allele frequency attached by ClinVar (database versions not stated): TOPMed below 0.00001; gnomAD 0.00001; gnomAD exomes 0.00001.
gnomAD v4.1: 7 of 1,614,064 alleles (0.00043%); highest among the groups gnomAD compares: Middle Eastern, 0.017%; no homozygotes.

Submissions (5):

Catlab - Consorci Sanitari de Terrassa
Classification: Uncertain significance for Hereditary cancer-predisposing syndrome. Last evaluated: 2025-10-07. Review status: criteria provided, single submitter. Criteria: ACMG Guidelines, 2015. Collection method: clinical testing. Allele origin: germline.
Comment: Based on the currently available information, this variant is classified as Uncertain Significance according to ACMG Richards 2015 guidelines. ACMG criteria: PM3, PM1_supp, PM2_supp.

Ambry Genetics
Classification: Likely benign for Hereditary cancer-predisposing syndrome. Last evaluated: 2025-09-09. Review status: criteria provided, single submitter. Criteria: Ambry Variant Classification Scheme 2023. Collection method: clinical testing. Allele origin: germline.

Labcorp Genetics (formerly Invitae), Labcorp
Classification: Uncertain significance for Familial adenomatous polyposis 2. Last evaluated: 2024-07-08. Review status: criteria provided, single submitter. Criteria: Invitae Variant Classification Sherloc (09022015). Collection method: clinical testing. Allele origin: germline.
Comment: This sequence change replaces valine, which is neutral and non-polar, with methionine, which is neutral and non-polar, at codon 407 of the MUTYH protein (p.Val407Met). This variant is present in population databases (no rsID available, gnomAD 0.006%). This variant has not been reported in the literature in individuals affected with MUTYH-related conditions. ClinVar contains an entry for this variant (Variation ID: 233638). An algorithm developed to predict the effect of missense changes on protein structure and function (PolyPhen-2) suggests that this variant is likely to be disruptive. In summary, the available evidence is currently insufficient to determine the role of this variant in disease. Therefore, it has been classified as a Variant of Uncertain Significance.

All of Us Research Program, National Institutes of Health
Classification: Uncertain significance for Familial adenomatous polyposis 2. Last evaluated: 2023-05-16. Review status: criteria provided, single submitter. Criteria: ACMG Guidelines, 2015. Collection method: clinical testing. Allele origin: germline. Inheritance: Autosomal recessive inheritance. Observed: 1 variant allele, 1 heterozygote.
Comment: This missense variant replaces valine with methionine at codon 407 of the MUTYH protein. Computational prediction suggests that this variant may not impact protein structure and function (internally defined REVEL score threshold <= 0.5, PMID: 27666373). To our knowledge, functional studies have not been reported for this variant. This variant has been reported in an individual affected with head and neck squamous cell carcinoma (PMID: 34598035). This variant has been identified in 2/250606 chromosomes in the general population by the Genome Aggregation Database (gnomAD). The available evidence is insufficient to determine the role of this variant in disease conclusively. Therefore, this variant is classified as a Variant of Uncertain Significance.

This study involves interpretation of variants in research participants for the purpose of population health screening. Participant phenotype was not available at the time of variant classification. Additional details can be found in publication PMID: 35346344, PMCID: PMC8962531

Color Diagnostics, LLC DBA Color Health
Classification: Uncertain significance for Hereditary cancer-predisposing syndrome. Last evaluated: 2023-04-26. Review status: criteria provided, single submitter. Criteria: ACMG Guidelines, 2015. Collection method: clinical testing. Allele origin: germline.
Comment: This missense variant replaces valine with methionine at codon 407 of the MUTYH protein. Computational prediction suggests that this variant may not impact protein structure and function (internally defined REVEL score threshold <= 0.5, PMID: 27666373). To our knowledge, functional studies have not been reported for this variant. This variant has been reported in an individual affected with head and neck squamous cell carcinoma (PMID: 34598035). This variant has been identified in 2/250606 chromosomes in the general population by the Genome Aggregation Database (gnomAD). The available evidence is insufficient to determine the role of this variant in disease conclusively. Therefore, this variant is classified as a Variant of Uncertain Significance.

Literature cited by the submitters: PubMed 40738107 (cited by Ambry Genetics); PubMed 34598035 (cited by All of Us Research Program, National Institutes of Health and Color Diagnostics, LLC DBA Color Health).